The following is an entry in ClinVar:

ClinVar aggregate classification (germline): Uncertain significance (1 of 4 stars; one submission).

Conditions:
Mitochondrial trifunctional protein deficiency. Identifiers: Orphanet 746, MedGen C1969443, MONDO:0012172.

Allele frequency attached by ClinVar (database versions not stated): TOPMed below 0.00001; gnomAD 0.00001.
gnomAD v4.1: 1 of 1,613,528 alleles (0.000062%); highest among the groups gnomAD compares: Admixed American, 0.0017%; no homozygotes.

Submission:

Labcorp Genetics (formerly Invitae), Labcorp
Classification: Uncertain significance for Mitochondrial trifunctional protein deficiency. Last evaluated: 2022-08-30. Review status: criteria provided, single submitter. Criteria: Invitae Variant Classification Sherloc (09022015). Collection method: clinical testing. Allele origin: germline.
Comment: In summary, the available evidence is currently insufficient to determine the role of this variant in disease. Therefore, it has been classified as a Variant of Uncertain Significance. Algorithms developed to predict the effect of missense changes on protein structure and function (SIFT, PolyPhen-2, Align-GVGD) all suggest that this variant is likely to be disruptive. This variant has not been reported in the literature in individuals affected with HADHB-related conditions. This variant is not present in population databases (gnomAD no frequency). This sequence change replaces glycine, which is neutral and non-polar, with arginine, which is basic and polar, at codon 427 of the HADHB protein (p.Gly427Arg).

NM_000183.3(HADHB):c.1279G>A (p.Gly427Arg)

Gene: HADHB (hydroxyacyl-CoA dehydrogenase trifunctional multienzyme complex subunit beta; plus strand). Cytogenetic location: 2p23.3.
Variant type: single nucleotide variant.
Coding change: c.1279G>A on transcript NM_000183.3 (MANE Select); coding-DNA position 1279, G replaced by A.
Protein change: p.Gly427Arg; replaces glycine 427 with arginine.
Molecular consequence: missense variant.
Genome position (GRCh38, 1-based): chr2:26,285,461, G>A. VCF-style: chr2-26285461-G-A. GRCh37 (hg19) VCF-style: chr2-26508329-G-A.
Other names: c.1234G>A, p.Gly412Arg (NM_001281512.2); c.1213G>A, p.Gly405Arg (NM_001281513.2); short protein forms G427R, G412R, G405R.
Identifiers: ClinVar variation 2109836 (VCV002109836.4), dbSNP rs1192353246, ClinGen allele CA346096766.